The following is an entry in ClinVar:

NM_001556.3(IKBKB):c.2083T>A (p.Ser695Thr)

Gene: IKBKB (inhibitor of nuclear factor kappa B kinase subunit beta; plus strand). Cytogenetic location: 8p11.21.
Variant type: single nucleotide variant.
Coding change: c.2083T>A on transcript NM_001556.3 (MANE Select); coding-DNA position 2083, T replaced by A.
Protein change: p.Ser695Thr; replaces serine 695 with threonine.
Molecular consequence: missense variant. On other transcripts: non-coding transcript variant (3).
Genome position (GRCh38, 1-based): chr8:42,326,066, T>A. VCF-style: chr8-42326066-T-A. GRCh37 (hg19) VCF-style: chr8-42183584-T-A.
Other names: c.1891T>A, p.Ser631Thr (NM_001190720.3); c.1906T>A, p.Ser636Thr (NM_001242778.2); short protein forms S631T, S695T, S636T.
Identifiers: ClinVar variation 1397232 (VCV001397232.5), dbSNP rs1820679317, ClinGen allele CA371093887.

ClinVar aggregate classification (germline): Uncertain significance (1 of 4 stars; one submission).

Conditions:
Severe combined immunodeficiency due to IKK2 deficiency. Also called: IMMUNODEFICIENCY 15B; Immunodeficiency 15. Identifiers: Orphanet 397787, MedGen C4747743, MONDO:0014267, OMIM 615592.

Allele frequency attached by ClinVar (database versions not stated): gnomAD exomes below 0.00001; 1000 Genomes Project 30x 0.00016.
gnomAD v4.1: 7 of 1,614,196 alleles (0.00043%); highest among the groups gnomAD compares: Non-Finnish European, 0.00059%; no homozygotes.

Submission:

Labcorp Genetics (formerly Invitae), Labcorp
Classification: Uncertain significance for Severe combined immunodeficiency due to IKK2 deficiency. Last evaluated: 2022-02-05. Review status: criteria provided, single submitter. Criteria: Invitae Variant Classification Sherloc (09022015). Collection method: clinical testing. Allele origin: germline.
Comment: This sequence change replaces serine, which is neutral and polar, with threonine, which is neutral and polar, at codon 695 of the IKBKB protein (p.Ser695Thr). This variant is not present in population databases (gnomAD no frequency). This variant has not been reported in the literature in individuals affected with IKBKB-related conditions. Advanced modeling of protein sequence and biophysical properties (such as structural, functional, and spatial information, amino acid conservation, physicochemical variation, residue mobility, and thermodynamic stability) performed at Invitae indicates that this missense variant is not expected to disrupt IKBKB protein function. In summary, the available evidence is currently insufficient to determine the role of this variant in disease. Therefore, it has been classified as a Variant of Uncertain Significance.